The following is an entry in ClinVar:

NM_013275.6(ANKRD11):c.7018C>T (p.Arg2340Trp)

Gene: ANKRD11 (ankyrin repeat domain 11; minus strand). Cytogenetic location: 16q24.3.
Variant type: single nucleotide variant.
Coding change: c.7018C>T on transcript NM_013275.6 (MANE Select); coding-DNA position 7018, C replaced by T.
Protein change: p.Arg2340Trp; replaces arginine 2340 with tryptophan.
Molecular consequence: missense variant.
Genome position (GRCh38, 1-based): chr16:89,279,524, G>A on the plus strand (C>T on the coding strand, the complement: ANKRD11 is on the minus strand). VCF-style: chr16-89279524-G-A. GRCh37 (hg19) VCF-style: chr16-89345932-G-A.
Other names: c.7018C>T, p.Arg2340Trp (NM_001256182.2, NM_001256183.2); short protein forms R2340W.
Identifiers: ClinVar variation 3630097 (VCV003630097.2).

ClinVar aggregate classification (germline): Uncertain significance (1 of 4 stars; one submission).

Conditions:
KBG syndrome (KBGS). Also called: ANKRD11-Related KBG Syndrome. Identifiers: Orphanet 2332, MedGen C0220687, MONDO:0007846, OMIM 148050.

Submission:

Labcorp Genetics (formerly Invitae), Labcorp
Classification: Uncertain significance for KBG syndrome. Last evaluated: 2024-08-13. Review status: criteria provided, single submitter. Criteria: Invitae Variant Classification Sherloc (09022015). Collection method: clinical testing. Allele origin: germline.
Comment: This sequence change replaces arginine, which is basic and polar, with tryptophan, which is neutral and slightly polar, at codon 2340 of the ANKRD11 protein (p.Arg2340Trp). This variant is not present in population databases (gnomAD no frequency). This variant has not been reported in the literature in individuals affected with ANKRD11-related conditions. Advanced modeling of protein sequence and biophysical properties (such as structural, functional, and spatial information, amino acid conservation, physicochemical variation, residue mobility, and thermodynamic stability) has been performed at Invitae for this missense variant, however the output from this modeling did not meet the statistical confidence thresholds required to predict the impact of this variant on ANKRD11 protein function. In summary, the available evidence is currently insufficient to determine the role of this variant in disease. Therefore, it has been classified as a Variant of Uncertain Significance.